The following is an entry in ClinVar:

NM_001376.5(DYNC1H1):c.12800C>T (p.Thr4267Ile)

Gene: DYNC1H1 (dynein cytoplasmic 1 heavy chain 1; plus strand). Cytogenetic location: 14q32.31.
Variant type: single nucleotide variant.
Coding change: c.12800C>T on transcript NM_001376.5 (MANE Select); coding-DNA position 12800, C replaced by T.
Protein change: p.Thr4267Ile; replaces threonine 4267 with isoleucine.
Molecular consequence: missense variant.
Genome position (GRCh38, 1-based): chr14:102,044,389, C>T. VCF-style: chr14-102044389-C-T. GRCh37 (hg19) VCF-style: chr14-102510726-C-T.
Other names: short protein forms T4267I.
Identifiers: ClinVar variation 2767621 (VCV002767621.3), dbSNP rs1043455, ClinGen allele CA266981110.
Genomic context (GRCh38, chr14:102,044,389, plus strand): 5'-TGGCCCAGTCCATTTATGGCGGGCGCGTGGACAACGAGTTTGACCAGCGTCTGCTCAACA[C>T]CTTCCTGGAGCGCCTGTTCACAACCAGGAGTTTCGACAGTGAGTTTAAGCTGGCATGCAA-3'
Protein context (NP_001367.2, residues 4257-4277): DNEFDQRLLN[Thr4267Ile]FLERLFTTRS

ClinVar aggregate classification (germline): Uncertain significance (1 of 4 stars; one submission).

Conditions:
Charcot-Marie-Tooth disease axonal type 2O. Also called: Charcot-Marie-Tooth disease, axonal, type 20; CHARCOT-MARIE-TOOTH NEUROPATHY, AXONAL, TYPE 2O; CHARCOT-MARIE-TOOTH DISEASE, AXONAL, AUTOSOMAL DOMINANT, TYPE 2O; Charcot-Marie-Tooth Neuropathy Type 2O. Identifiers: Orphanet 284232, MedGen C3280220, MONDO:0013644, OMIM 614228.

Submission:

Labcorp Genetics (formerly Invitae), Labcorp
Classification: Uncertain significance for Charcot-Marie-Tooth disease axonal type 2O. Last evaluated: 2023-10-11. Review status: criteria provided, single submitter. Criteria: Invitae Variant Classification Sherloc (09022015). Collection method: clinical testing. Allele origin: germline.
Comment: This sequence change replaces threonine, which is neutral and polar, with isoleucine, which is neutral and non-polar, at codon 4267 of the DYNC1H1 protein (p.Thr4267Ile). This variant is not present in population databases (gnomAD no frequency). This variant has not been reported in the literature in individuals affected with DYNC1H1-related conditions. Advanced modeling of protein sequence and biophysical properties (such as structural, functional, and spatial information, amino acid conservation, physicochemical variation, residue mobility, and thermodynamic stability) performed at Invitae indicates that this missense variant is not expected to disrupt DYNC1H1 protein function. In summary, the available evidence is currently insufficient to determine the role of this variant in disease. Therefore, it has been classified as a Variant of Uncertain Significance.